The following is an entry in ClinVar:

NM_001113491.2(SEPTIN9):c.1294C>T (p.Arg432Cys)

Gene: SEPTIN9 (septin 9; plus strand). Cytogenetic location: 17q25.3.
Variant type: single nucleotide variant.
Coding change: c.1294C>T on transcript NM_001113491.2 (MANE Select); coding-DNA position 1294, C replaced by T.
Protein change: p.Arg432Cys; replaces arginine 432 with cysteine.
Molecular consequence: missense variant.
Genome position (GRCh38, 1-based): chr17:77,490,773, C>T. VCF-style: chr17-77490773-C-T. GRCh37 (hg19) VCF-style: chr17-75486855-C-T.
Other names: c.802C>T, p.Arg268Cys (NM_001113492.2, NM_001113494.1); c.1273C>T, p.Arg425Cys (NM_001113493.2); c.541C>T, p.Arg181Cys (NM_001113495.2, NM_001113496.2, NM_001293697.2 and 1 more transcripts); c.1237C>T, p.Arg413Cys (NM_001293695.2); c.622C>T, p.Arg208Cys (NM_001293696.2); c.1240C>T, p.Arg414Cys (NM_006640.5); short protein forms R181C, R208C, R268C, R413C, R414C, R425C, R432C.
Identifiers: ClinVar variation 2445529 (VCV002445529.4), dbSNP rs1385536623, ClinGen allele CA401209473.

ClinVar aggregate classification (germline): Uncertain significance (1 of 4 stars; one submission).

Allele frequency attached by ClinVar (database versions not stated): gnomAD 0.00001; gnomAD exomes 0.00001; TOPMed 0.00001.
gnomAD v4.1: 4 of 1,587,486 alleles (0.00025%); highest among the groups gnomAD compares: South Asian, 0.0023%; no homozygotes.

Submission:

Labcorp Genetics (formerly Invitae), Labcorp
Classification: Uncertain significance. Last evaluated: 2024-03-13. Review status: criteria provided, single submitter. Criteria: Invitae Variant Classification Sherloc (09022015). Collection method: clinical testing. Allele origin: germline.
Comment: This sequence change replaces arginine, which is basic and polar, with cysteine, which is neutral and slightly polar, at codon 414 of the SEPT9 protein (p.Arg414Cys). This variant is not present in population databases (gnomAD no frequency). This variant has not been reported in the literature in individuals affected with SEPT9-related conditions. ClinVar contains an entry for this variant (Variation ID: 2445529). Advanced modeling of protein sequence and biophysical properties (such as structural, functional, and spatial information, amino acid conservation, physicochemical variation, residue mobility, and thermodynamic stability) performed at Invitae indicates that this missense variant is expected to disrupt SEPT9 protein function with a positive predictive value of 80%. In summary, the available evidence is currently insufficient to determine the role of this variant in disease. Therefore, it has been classified as a Variant of Uncertain Significance.